The following is an entry in ClinVar:

ClinVar aggregate classification (germline): Likely benign (1 of 4 stars; one submission).

gnomAD v4.1: 184 of 1,607,216 alleles (0.011%); highest among the groups gnomAD compares: Non-Finnish European, 0.0043%; no homozygotes.

Submission:

CeGaT Center for Human Genetics Tuebingen
Classification: Likely benign. Last evaluated: 2026-07-01. Review status: criteria provided, single submitter. Criteria: CeGaT Center For Human Genetics Tuebingen Variant Classification Criteria Version 2. Collection method: clinical testing. Allele origin: germline. Affected: yes. Observed: 1 variant allele.
Comment: HAS1: BP4, BP7

NM_001297436.2(HAS1):c.1254G>A (p.Val418=)

Gene: HAS1 (hyaluronan synthase 1; minus strand). Cytogenetic location: 19q13.41.
Variant type: single nucleotide variant.
Coding change: c.1254G>A on transcript NM_001297436.2 (MANE Select); coding-DNA position 1254, G replaced by A.
Protein change: p.Val418=; no amino-acid change (valine 418 retained).
Molecular consequence: synonymous variant.
Genome position (GRCh38, 1-based): chr19:51,713,907, C>T on the plus strand (G>A on the coding strand, the complement: HAS1 is on the minus strand). VCF-style: chr19-51713907-C-T. GRCh37 (hg19) VCF-style: chr19-52217160-C-T.
Other names: c.1257G>A, p.Val419= (NM_001523.4).
Identifiers: ClinVar variation 4873106 (VCV004873106.2).